The following is an entry in ClinVar:

ClinVar aggregate classification (germline): Uncertain significance (1 of 4 stars; one submission).

Submission:

Labcorp Genetics (formerly Invitae), Labcorp
Classification: Uncertain significance. Last evaluated: 2024-10-10. Review status: criteria provided, single submitter. Criteria: Invitae Variant Classification Sherloc (09022015). Collection method: clinical testing. Allele origin: germline.
Comment: This sequence change affects codon 211 of the NOG mRNA. It is a 'silent' change, meaning that it does not change the encoded amino acid sequence of the NOG protein. This variant is present in population databases (no rsID available, gnomAD 0.003%). This variant has not been reported in the literature in individuals affected with NOG-related conditions. In summary, the available evidence is currently insufficient to determine the role of this variant in disease. Therefore, it has been classified as a Variant of Uncertain Significance.

NM_005450.6(NOG):c.633G>C (p.Gly211=)

Gene: NOG (noggin; plus strand). Cytogenetic location: 17q22.
Variant type: single nucleotide variant.
Coding change: c.633G>C on transcript NM_005450.6 (MANE Select); coding-DNA position 633, G replaced by C.
Protein change: p.Gly211=; no amino-acid change (glycine 211 retained).
Molecular consequence: synonymous variant.
Genome position (GRCh38, 1-based): chr17:56,594,856, G>C. VCF-style: chr17-56594856-G-C. GRCh37 (hg19) VCF-style: chr17-54672217-G-C.
Identifiers: ClinVar variation 3661493 (VCV003661493.2).